The following is an entry in ClinVar:

ClinVar aggregate classification (germline): Uncertain significance. Review status: criteria provided, multiple submitters, no conflicts (2 of 4 stars). 2 submissions from 2 submitters: Uncertain significance (2). Last evaluated 2025-12-24.

Conditions:
Brugada syndrome. Also called: Sudden Unexplained Death Syndrome; Sudden Unexplained Nocturnal Death Syndrome (SUNDS); Sudden unexpected nocturnal death syndrome; Sudden unexplained nocturnal death syndrome. Identifiers: Orphanet 130, MedGen C1142166, MONDO:0015263.
Cardiovascular phenotype. Identifiers: MedGen CN230736.

Allele frequency attached by ClinVar (database versions not stated): ExAC 0.00001; gnomAD 0.00001; TOPMed 0.00001.
gnomAD v4.1: 31 of 1,607,416 alleles (0.0019%); highest among the groups gnomAD compares: Non-Finnish European, 0.0026%; no homozygotes.

Submissions (2):

Labcorp Genetics (formerly Invitae), Labcorp
Classification: Uncertain significance for Brugada syndrome. Last evaluated: 2025-12-24. Review status: criteria provided, single submitter. Criteria: Invitae Variant Classification Sherloc (09022015). Collection method: clinical testing. Allele origin: germline.
Comment: This sequence change replaces asparagine, which is neutral and polar, with serine, which is neutral and polar, at codon 559 of the SCN10A protein (p.Asn559Ser). This variant is present in population databases (rs751076013, gnomAD 0.0009%). This variant has not been reported in the literature in individuals affected with SCN10A-related conditions. ClinVar contains an entry for this variant (Variation ID: 2039543). Invitae Evidence Modeling of protein sequence and biophysical properties (such as structural, functional, and spatial information, amino acid conservation, physicochemical variation, residue mobility, and thermodynamic stability) indicates that this missense variant is not expected to disrupt SCN10A protein function with a negative predictive value of 95%. In summary, the available evidence is currently insufficient to determine the role of this variant in disease. Therefore, it has been classified as a Variant of Uncertain Significance.

Ambry Genetics
Classification: Uncertain significance for Cardiovascular phenotype. Last evaluated: 2025-09-08. Review status: criteria provided, single submitter. Criteria: Ambry Variant Classification Scheme 2023. Collection method: clinical testing. Allele origin: germline.
Comment: The p.N559S variant (also known as c.1676A>G), located in coding exon 11 of the SCN10A gene, results from an A to G substitution at nucleotide position 1676. The asparagine at codon 559 is replaced by serine, an amino acid with highly similar properties. This amino acid position is not well conserved in available vertebrate species. In addition, this alteration is predicted to be tolerated by in silico analysis. The evidence for this gene-disease relationship is limited; therefore, the clinical significance of this alteration is unclear.

NM_006514.4(SCN10A):c.1676A>G (p.Asn559Ser)

Gene: SCN10A (sodium voltage-gated channel alpha subunit 10; minus strand). Cytogenetic location: 3p22.2.
Variant type: single nucleotide variant.
Coding change: c.1676A>G on transcript NM_006514.4 (MANE Select); coding-DNA position 1676, A replaced by G.
Protein change: p.Asn559Ser; replaces asparagine 559 with serine.
Molecular consequence: missense variant. On other transcripts: intron variant (1).
Genome position (GRCh38, 1-based): chr3:38,752,298, T>C on the plus strand (A>G on the coding strand, the complement: SCN10A is on the minus strand). VCF-style: chr3-38752298-T-C. GRCh37 (hg19) VCF-style: chr3-38793789-T-C.
Other names: c.1676A>G (NM_006514.2); c.1676A>G, p.Asn559Ser (NM_001293306.2); c.1462-2114A>G (NM_001293307.2); short protein forms N559S.
Identifiers: ClinVar variation 2039543 (VCV002039543.5), dbSNP rs751076013, ClinGen allele CA2320790.